The following is an entry in ClinVar:

NM_005546.4(ITK):c.1003C>T (p.Arg335Trp)

Gene: ITK (IL2 inducible T cell kinase; plus strand). Cytogenetic location: 5q33.3.
Variant type: single nucleotide variant.
Coding change: c.1003C>T on transcript NM_005546.4 (MANE Select); coding-DNA position 1003, C replaced by T.
Protein change: p.Arg335Trp; replaces arginine 335 with tryptophan.
Molecular consequence: missense variant.
Genome position (GRCh38, 1-based): chr5:157,241,663, C>T. VCF-style: chr5-157241663-C-T. GRCh37 (hg19) VCF-style: chr5-156668673-C-T.
Other names: short protein forms R335W.
Identifiers: ClinVar variation 12741 (VCV000012741.3), dbSNP rs121908191, ClinGen allele CA122669.

ClinVar aggregate classification (germline): Likely pathogenic. Review status: criteria provided, single submitter (1 of 4 stars). 3 submissions from 3 submitters: Likely pathogenic (1). 2 of the submissions do not count toward it. Last evaluated 2026-01-12.

Conditions:
Lymphoproliferative syndrome 1 (LPFS1). Identifiers: Orphanet 238505, Orphanet 538963, MedGen C3552634, MONDO:0013081, OMIM 613011.

gnomAD v4.1: 3 of 1,613,826 alleles (0.00019%); highest among the groups gnomAD compares: East Asian, 0.0022%; no homozygotes.

Submissions (3):

Labcorp Genetics (formerly Invitae), Labcorp
Classification: Likely pathogenic for Lymphoproliferative syndrome 1. Last evaluated: 2026-01-12. Review status: criteria provided, single submitter. Criteria: Invitae Variant Classification Sherloc (09022015). Collection method: clinical testing. Allele origin: germline.
Comment: This sequence change replaces arginine, which is basic and polar, with tryptophan, which is neutral and slightly polar, at codon 335 of the ITK protein (p.Arg335Trp). This variant is not present in population databases (gnomAD no frequency). This missense change has been observed in individual(s) with EBV-associated lymphoproliferation (PMID: 19425169, 27454071). It has also been observed to segregate with disease in related individuals. ClinVar contains an entry for this variant (Variation ID: 12741). Invitae Evidence Modeling of protein sequence and biophysical properties (such as structural, functional, and spatial information, amino acid conservation, physicochemical variation, residue mobility, and thermodynamic stability) indicates that this missense variant is expected to disrupt ITK protein function with a positive predictive value of 80%. Experimental studies have shown that this missense change affects ITK function (PMID: 22289921). Algorithms developed to predict the effect of sequence changes on RNA splicing suggest that this variant may disrupt the consensus splice site. In summary, the currently available evidence indicates that the variant is pathogenic, but additional data are needed to prove that conclusively. Therefore, this variant has been classified as Likely Pathogenic.

OMIM
Classification: Pathogenic for LYMPHOPROLIFERATIVE SYNDROME 1. Last evaluated: 2012-05-01. Review status: no assertion criteria provided. Collection method: literature only. Allele origin: germline. Not counted in ClinVar's aggregate classification.

UniProtKB/Swiss-Prot
No classification provided. Condition: Lymphoproliferative syndrome, ebv-associated, autosomal, 1. Review status: no classification provided. Collection method: not provided. Allele origin: not provided. Not counted in ClinVar's aggregate classification.

Literature cited by the submitters: PubMed 19425169 (cited by Labcorp Genetics (formerly Invitae), Labcorp and OMIM); PubMed 27454071 (cited by Labcorp Genetics (formerly Invitae), Labcorp); PubMed 22289921 (cited by Labcorp Genetics (formerly Invitae), Labcorp and OMIM).